The following is an entry in ClinVar:

NM_001128840.3(CACNA1D):c.2843G>A (p.Gly948Glu)

Gene: CACNA1D (calcium voltage-gated channel subunit alpha1 D; plus strand). Cytogenetic location: 3p21.1.
Variant type: single nucleotide variant.
Coding change: c.2843G>A on transcript NM_001128840.3 (MANE Select); coding-DNA position 2843, G replaced by A.
Protein change: p.Gly948Glu; replaces glycine 948 with glutamic acid.
Molecular consequence: missense variant.
Genome position (GRCh38, 1-based): chr3:53,743,042, G>A. VCF-style: chr3-53743042-G-A. GRCh37 (hg19) VCF-style: chr3-53777069-G-A.
Other names: c.2903G>A, p.Gly968Glu (NM_000720.4); c.2843G>A, p.Gly948Glu (NM_001128839.3); short protein forms G968E, G948E.
Identifiers: ClinVar variation 2114804 (VCV002114804.4), dbSNP rs2473909863, ClinGen allele CA353245183.
Genomic context (GRCh38, chr3:53,743,042, plus strand): 5'-TGGTAAATCATCCATGATTCTGCTTCTAGATGACAACTTTTGGAGCTTTCCTCCACAAAG[G>A]GGCCTTCTGCAGGAACTACTTCAATTTGCTGGATATGCTGGTGGTTGGGGTGTCTCTGGT-3'
Protein context (NP_001122312.1, residues 938-958): MTTFGAFLHK[Gly948Glu]AFCRNYFNLL

ClinVar aggregate classification (germline): Uncertain significance (1 of 4 stars; one submission).

gnomAD v4.1: 1 of 1,613,338 alleles (0.000062%); no homozygotes.

Submission:

Labcorp Genetics (formerly Invitae), Labcorp
Classification: Uncertain significance. Last evaluated: 2023-08-10. Review status: criteria provided, single submitter. Criteria: Invitae Variant Classification Sherloc (09022015). Collection method: clinical testing. Allele origin: germline.
Comment: In summary, the available evidence is currently insufficient to determine the role of this variant in disease. Therefore, it has been classified as a Variant of Uncertain Significance. Advanced modeling of protein sequence and biophysical properties (such as structural, functional, and spatial information, amino acid conservation, physicochemical variation, residue mobility, and thermodynamic stability) performed at Invitae indicates that this missense variant is not expected to disrupt CACNA1D protein function. ClinVar contains an entry for this variant (Variation ID: 2114804). This variant has not been reported in the literature in individuals affected with CACNA1D-related conditions. This variant is not present in population databases (gnomAD no frequency). This sequence change replaces glycine, which is neutral and non-polar, with glutamic acid, which is acidic and polar, at codon 968 of the CACNA1D protein (p.Gly968Glu).